The following is an entry in ClinVar:

NM_000059.4(BRCA2):c.4434A>G (p.Leu1478=)

Gene: BRCA2 (BRCA2 DNA repair associated; plus strand). Cytogenetic location: 13q13.1.
Variant type: single nucleotide variant.
Coding change: c.4434A>G on transcript NM_000059.4 (MANE Select); coding-DNA position 4434, A replaced by G.
Protein change: p.Leu1478=; no amino-acid change (leucine 1478 retained).
Molecular consequence: synonymous variant.
Genome position (GRCh38, 1-based): chr13:32,338,789, A>G. VCF-style: chr13-32338789-A-G. GRCh37 (hg19) VCF-style: chr13-32912926-A-G.
Identifiers: ClinVar variation 184342 (VCV000184342.52), dbSNP rs786201411, ClinGen allele CA020179.

ClinVar aggregate classification (germline): Likely benign. Review status: reviewed by expert panel (3 of 4 stars). 9 submissions from 9 submitters: Likely benign (1). 8 of the submissions do not count toward it. Last evaluated 2017-06-29.

Conditions:
BRCA2-related disorder. Also called: BRCA2-related condition; BRCA2-related disorders. Identifiers: MedGen CN239275.
Hereditary cancer-predisposing syndrome. Also called: Tumor predisposition; Neoplastic Syndromes, Hereditary; Hereditary Cancer Syndrome; Hereditary neoplastic syndrome. Identifiers: Orphanet 140162, MedGen C0027672, MeSH D009386, MONDO:0015356.
Hereditary breast ovarian cancer syndrome. Also called: Hereditary breast and ovarian cancer; Hereditary breast and ovarian cancer syndrome (HBOC); Breast and ovarian cancer; Hereditary breast and/or ovarian cancer syndrome; BRCA1- and BRCA2-Associated Hereditary Breast and Ovarian Cancer; Hereditary breast and ovarian cancer syndrome. Identifiers: Orphanet 145, MedGen C0677776, MeSH D061325, MONDO:0003582. Disease mechanism: loss of function.
Breast-ovarian cancer, familial, susceptibility to, 2 (BROVCA2). Also called: BRCA2 Hereditary Breast and Ovarian Cancer. Identifiers: Orphanet 145, MedGen C2675520, MONDO:0012933, OMIM 612555. Disease mechanism: loss of function.

Allele frequency attached by ClinVar (database versions not stated): gnomAD exomes below 0.00001.
gnomAD v4.1: 6 of 1,612,876 alleles (0.00037%); highest among the groups gnomAD compares: Non-Finnish European, 0.00051%; no homozygotes.

Submissions (9):

Evidence-based Network for the Interpretation of Germline Mutant Alleles (ENIGMA)
Classification: Likely benign for Breast-ovarian cancer, familial, susceptibility to, 2. Last evaluated: 2017-06-29. Review status: reviewed by expert panel. Criteria: ENIGMA BRCA1/2 Classification Criteria (2017-06-29). Collection method: curation. Allele origin: germline.
Comment: Synonymous substitution variant, with low bioinformatic likelihood to result in a splicing aberration (Splicing prior probability 0.02).

Labcorp Genetics (formerly Invitae), Labcorp
Classification: Likely benign for Hereditary breast ovarian cancer syndrome. Last evaluated: 2026-02-03. Review status: criteria provided, single submitter. Criteria: Invitae Variant Classification Sherloc (09022015). Collection method: clinical testing. Allele origin: germline. Not counted in ClinVar's aggregate classification.

PreventionGenetics, part of Exact Sciences
Classification: Likely benign for BRCA2-related condition. Last evaluated: 2026-01-26. Review status: criteria provided, single submitter. Criteria: ACMG Guidelines, 2015. Collection method: clinical testing. Allele origin: germline. Not counted in ClinVar's aggregate classification.
Comment: This variant is classified as likely benign based on ACMG/AMP sequence variant interpretation guidelines (Richards et al. 2015 PMID: 25741868, with internal and published modifications).

CeGaT Center for Human Genetics Tuebingen
Classification: Likely benign. Last evaluated: 2025-06-01. Review status: criteria provided, single submitter. Criteria: CeGaT Center For Human Genetics Tuebingen Variant Classification Criteria Version 2. Collection method: clinical testing. Allele origin: germline. Affected: yes. Observed: 2 variant alleles. Not counted in ClinVar's aggregate classification.
Comment: BRCA2: BP4, BP7

Blueprint Genetics
Classification: Likely benign. Last evaluated: 2024-09-25. Review status: criteria provided, single submitter. Criteria: ACMG Guidelines, 2015. Collection method: clinical testing. Allele origin: germline. Not counted in ClinVar's aggregate classification.

All of Us Research Program, National Institutes of Health
Classification: Likely benign for Breast-ovarian cancer, familial, susceptibility to, 2. Last evaluated: 2023-06-08. Review status: criteria provided, single submitter. Criteria: ACMG Guidelines, 2015. Collection method: clinical testing. Allele origin: germline. Inheritance: Autosomal dominant inheritance. Observed: 1 variant allele, 1 heterozygote. Not counted in ClinVar's aggregate classification.
Comment: This study involves interpretation of variants in research participants for the purpose of population health screening. Participant phenotype was not available at the time of variant classification. Additional details can be found in publication PMID: 35346344, PMCID: PMC8962531

GeneDx
Classification: Likely benign. Last evaluated: 2019-11-12. Review status: criteria provided, single submitter. Criteria: GeneDx Variant Classification Process June 2021. Collection method: clinical testing. Allele origin: germline. Affected: yes. Not counted in ClinVar's aggregate classification.
Comment: This variant is associated with the following publications: (PMID: 27376475)

Color Diagnostics, LLC DBA Color Health
Classification: Likely benign for Hereditary cancer-predisposing syndrome. Last evaluated: 2016-07-04. Review status: criteria provided, single submitter. Criteria: ACMG Guidelines, 2015. Collection method: clinical testing. Allele origin: germline. Not counted in ClinVar's aggregate classification.

Ambry Genetics
Classification: Likely benign for Hereditary cancer-predisposing syndrome. Last evaluated: 2014-10-03. Review status: criteria provided, single submitter. Criteria: Ambry Variant Classification Scheme 2023. Collection method: clinical testing. Allele origin: germline. Not counted in ClinVar's aggregate classification.